The following is an entry in ClinVar:

ClinVar aggregate classification (germline): Uncertain significance. Review status: criteria provided, multiple submitters, no conflicts (2 of 4 stars). 3 submissions from 3 submitters: Uncertain significance (3). Last evaluated 2026-04-04.

Conditions:
Hereditary cancer-predisposing syndrome. Also called: Neoplastic Syndromes, Hereditary; Tumor predisposition; Hereditary neoplastic syndrome; Hereditary Cancer Syndrome. Identifiers: Orphanet 140162, MedGen C0027672, MeSH D009386, MONDO:0015356.
Neurofibromatosis, type 2 (SWNV). Also called: BILATERAL ACOUSTIC NEUROFIBROMATOSIS; NF2-Related Schwannomatosis; SCHWANNOMATOSIS, VESTIBULAR. Identifiers: Orphanet 637, MedGen C0027832, MONDO:0007039, OMIM 101000. Disease mechanism: loss of function.

Allele frequency attached by ClinVar (database versions not stated): gnomAD exomes below 0.00001; ExAC 0.00001.
gnomAD v4.1: 2 of 1,614,228 alleles (0.00012%); highest among the groups gnomAD compares: Non-Finnish European, 0.00017%; no homozygotes.

Submissions (3):

GeneDx
Classification: Uncertain significance. Last evaluated: 2026-04-04. Review status: criteria provided, single submitter. Criteria: GeneDx Variant Classification Process June 2021. Collection method: clinical testing. Allele origin: germline.
Comment: In silico analysis supports that this missense variant has a deleterious effect on protein structure/function; Has not been previously published as pathogenic or benign to our knowledge

Labcorp Genetics (formerly Invitae), Labcorp
Classification: Uncertain significance for Neurofibromatosis, type 2. Last evaluated: 2025-12-17. Review status: criteria provided, single submitter. Criteria: Invitae Variant Classification Sherloc (09022015). Collection method: clinical testing. Allele origin: germline.
Comment: This sequence change replaces alanine, which is neutral and non-polar, with threonine, which is neutral and polar, at codon 373 of the NF2 protein (p.Ala373Thr). This variant is present in population databases (rs761933185, gnomAD 0.0009%). This variant has not been reported in the literature in individuals affected with NF2-related conditions. ClinVar contains an entry for this variant (Variation ID: 1796616). Invitae Evidence Modeling of protein sequence and biophysical properties (such as structural, functional, and spatial information, amino acid conservation, physicochemical variation, residue mobility, and thermodynamic stability) indicates that this missense variant is not expected to disrupt NF2 protein function with a negative predictive value of 80%. In summary, the available evidence is currently insufficient to determine the role of this variant in disease. Therefore, it has been classified as a Variant of Uncertain Significance.

Ambry Genetics
Classification: Uncertain significance for Hereditary cancer-predisposing syndrome. Last evaluated: 2025-02-01. Review status: criteria provided, single submitter. Criteria: Ambry Variant Classification Scheme 2023. Collection method: clinical testing. Allele origin: germline.
Comment: The p.A373T variant (also known as c.1117G>A), located in coding exon 11 of the NF2 gene, results from a G to A substitution at nucleotide position 1117. The alanine at codon 373 is replaced by threonine, an amino acid with similar properties. This amino acid position is conserved. In addition, the in silico prediction for this alteration is inconclusive. Since supporting evidence is limited at this time, the clinical significance of this alteration remains unclear.

NM_000268.4(NF2):c.1117G>A (p.Ala373Thr)

Gene: NF2 (NF2, moesin-ezrin-radixin like (MERLIN) tumor suppressor; plus strand). Cytogenetic location: 22q12.2.
Variant type: single nucleotide variant.
Coding change: c.1117G>A on transcript NM_000268.4 (MANE Select); coding-DNA position 1117, G replaced by A.
Protein change: p.Ala373Thr; replaces alanine 373 with threonine.
Molecular consequence: missense variant. On other transcripts: non-coding transcript variant (1), intron variant (1).
Genome position (GRCh38, 1-based): chr22:29,671,943, G>A. VCF-style: chr22-29671943-G-A. GRCh37 (hg19) VCF-style: chr22-30067932-G-A.
Other names: c.1003G>A, p.Ala335Thr (NM_001407053.1, NM_001407056.1); c.994G>A, p.Ala332Thr (NM_001407054.1, NM_001407058.1, NM_181829.3); c.991G>A, p.Ala331Thr (NM_001407055.1, NM_181828.3); c.982G>A, p.Ala328Thr (NM_001407057.1, NM_001407059.1); c.1117G>A, p.Ala373Thr (NM_001407060.1, NM_001407066.1, NM_016418.5 and 2 more transcripts); c.859G>A, p.Ala287Thr (NM_001407062.1); c.868G>A, p.Ala290Thr (NM_001407063.1, NM_001407064.1, NM_181830.3 and 1 more transcripts); c.583G>A, p.Ala195Thr (NM_001407065.1); and 2 more; short protein forms A195T, A335T, A287T, A296T, A332T, A290T, A328T, A331T.
Identifiers: ClinVar variation 1796616 (VCV001796616.7), dbSNP rs761933185, ClinGen allele CA036865.